The following is an entry in ClinVar:

NM_020877.5(DNAH2):c.584_587dup (p.His196fs)

Gene: DNAH2 (dynein axonemal heavy chain 2; plus strand). Cytogenetic location: 17p13.1.
Variant type: Duplication.
Coding change: c.584_587dup on transcript NM_020877.5 (MANE Select); coding-DNA positions 584 to 587, 4 bases duplicated (ATCA; older notation c.584_587dupATCA).
Protein change: p.His196fs; shifts the reading frame from histidine 196.
Molecular consequence: frameshift variant.
Genome position (GRCh38, 1-based): chr17:7,733,271-7,733,274, ATCA duplicated; duplicating any 4 consecutive bases within chr17:7,733,270-7,733,274 gives the same sequence; the c. name uses the placement nearest the transcript's 3' end. VCF-style (leftmost placement, unchanged base first): chr17-7733269-A-AAATC. GRCh37 (hg19) VCF-style: chr17-7636587-A-AAATC.
Other names: c.584_587dup, p.His196fs (NM_001303270.2); short protein forms H196fs.
Identifiers: ClinVar variation 4978572 (VCV004978572.1).

ClinVar aggregate classification (germline): Uncertain significance (1 of 4 stars; one submission).

Conditions:
DNAH2-related disorder. Also called: DNAH2-related condition.

Submission:

PreventionGenetics, part of Exact Sciences
Classification: Uncertain significance for DNAH2-related condition. Last evaluated: 2025-06-30. Review status: criteria provided, single submitter. Criteria: ACMG Guidelines, 2015. Collection method: clinical testing. Allele origin: germline.
Comment: The DNAH2 c.584_587dupATCA variant is predicted to result in a frameshift and premature protein termination (p.His196Glnfs*39). To our knowledge, this variant has not been reported in the literature. To date, no protein truncating variants upstream of this variant has been reported in patients. This variant is reported in 0.00088% of alleles in individuals of European (Non-Finnish) descent in gnomAD. Although we suspect that this variant may be pathogenic, at this time, the clinical significance of this variant is uncertain due to the absence of conclusive functional and genetic evidence.